The following is an entry in ClinVar:

NM_001004334.4(GPR179):c.6592G>A (p.Gly2198Ser)

Gene: GPR179 (G protein-coupled receptor 179; minus strand). Cytogenetic location: 17q12.
Variant type: single nucleotide variant.
Coding change: c.6592G>A on transcript NM_001004334.4 (MANE Select); coding-DNA position 6592, G replaced by A.
Protein change: p.Gly2198Ser; replaces glycine 2198 with serine.
Molecular consequence: missense variant.
Genome position (GRCh38, 1-based): chr17:38,326,977, C>T on the plus strand (G>A on the coding strand, the complement: GPR179 is on the minus strand). VCF-style: chr17-38326977-C-T. GRCh37 (hg19) VCF-style: chr17-36482860-C-T.
Other names: c.6592G>A (NM_001004334.2); short protein forms G2198S.
Identifiers: ClinVar variation 1505075 (VCV001505075.9), dbSNP rs768675419, ClinGen allele CA290102890.
Genomic context (GRCh38, chr17:38,326,977, plus strand): 5'-TCCTGCTTCCCATGCTGCCTGCTTCCTTGGGGCTGACTTTGAGTTCTGGGTCCAGGGCAC[C>T]TGACTGGGGCAAGAGCCCTCCTGAGCCTGTGCCTTCCCCAGGGCAGACTGCCTCCTGCTC-3'
Protein context (NP_001004334.3, residues 2188-2208): TGSGGLLPQS[Gly2198Ser]ALDPELKVSP

ClinVar aggregate classification (germline): Uncertain significance. Review status: criteria provided, multiple submitters, no conflicts (2 of 4 stars). 2 submissions from 2 submitters: Uncertain significance (2). Last evaluated 2025-12-31.

Conditions:
Inborn genetic diseases. Identifiers: MedGen C0950123, MeSH D030342.

Allele frequency attached by ClinVar (database versions not stated): ExAC 0.00002; gnomAD 0.00002; gnomAD exomes 0.00002; TOPMed 0.00004.
gnomAD v4.1: 27 of 1,614,024 alleles (0.0017%); highest among the groups gnomAD compares: Admixed American, 0.0083%; no homozygotes.

Submissions (2):

Labcorp Genetics (formerly Invitae), Labcorp
Classification: Uncertain significance. Last evaluated: 2025-12-31. Review status: criteria provided, single submitter. Criteria: Invitae Variant Classification Sherloc (09022015). Collection method: clinical testing. Allele origin: germline.
Comment: This sequence change replaces glycine, which is neutral and non-polar, with serine, which is neutral and polar, at codon 2198 of the GPR179 protein (p.Gly2198Ser). This variant is present in population databases (rs768675419, gnomAD 0.01%). This variant has not been reported in the literature in individuals affected with GPR179-related conditions. ClinVar contains an entry for this variant (Variation ID: 1505075). An algorithm developed to predict the effect of missense changes on protein structure and function (PolyPhen-2) suggests that this variant is likely to be tolerated. In summary, the available evidence is currently insufficient to determine the role of this variant in disease. Therefore, it has been classified as a Variant of Uncertain Significance.

Ambry Genetics
Classification: Uncertain significance for Inborn genetic diseases. Last evaluated: 2025-01-17. Review status: criteria provided, single submitter. Criteria: Ambry Variant Classification Scheme 2023. Collection method: clinical testing. Allele origin: germline.